The following is an entry in ClinVar:

NM_014324.6(AMACR):c.739+3A>C

Genes: C1QTNF3-AMACR (C1QTNF3-AMACR readthrough (NMD candidate); minus strand), AMACR (alpha-methylacyl-CoA racemase; minus strand). Cytogenetic location: 5p13.2.
Variant type: single nucleotide variant.
Coding change: c.739+3A>C on transcript NM_014324.6 (MANE Select); 3 bases into the intron after coding-DNA position 739, A replaced by C.
Molecular consequence: intron variant.
Genome position (GRCh38, 1-based): chr5:33,998,638, T>G on the plus strand (A>C on the coding strand, the complement: AMACR is on the minus strand). VCF-style: chr5-33998638-T-G. GRCh37 (hg19) VCF-style: chr5-33998743-T-G.
Other names: c.578+3A>C (NM_203382.3); c.739+3A>C (NM_001167595.2).
Identifiers: ClinVar variation 2097583 (VCV002097583.4), dbSNP rs2478994294, ClinGen allele CA2580073167.

ClinVar aggregate classification (germline): Uncertain significance (1 of 4 stars; one submission).

Conditions:
Alpha-methylacyl-CoA racemase deficiency (AMACRD). Also called: AMACR deficiency. Identifiers: Orphanet 79095, MedGen C3280428, MONDO:0013681, OMIM 614307. Disease mechanism: loss of function.

Submission:

Labcorp Genetics (formerly Invitae), Labcorp
Classification: Uncertain significance for Alpha-methylacyl-CoA racemase deficiency. Last evaluated: 2022-03-01. Review status: criteria provided, single submitter. Criteria: Invitae Variant Classification Sherloc (09022015). Collection method: clinical testing. Allele origin: germline.
Comment: This variant has not been reported in the literature in individuals affected with AMACR-related conditions. This variant is not present in population databases (gnomAD no frequency). This sequence change falls in intron 4 of the AMACR gene. It does not directly change the encoded amino acid sequence of the AMACR protein. It affects a nucleotide within the consensus splice site. Variants that disrupt the consensus splice site are a relatively common cause of aberrant splicing (PMID: 17576681, 9536098). Algorithms developed to predict the effect of sequence changes on RNA splicing suggest that this variant is not likely to affect RNA splicing. In summary, the available evidence is currently insufficient to determine the role of this variant in disease. Therefore, it has been classified as a Variant of Uncertain Significance.

Literature cited by the submitters: PubMed 17576681; PubMed 9536098.